The following is an entry in ClinVar:

NM_014951.3(ZNF365):c.922G>T (p.Val308Leu)

Gene: ZNF365 (zinc finger protein 365; plus strand). Cytogenetic location: 10q21.2.
Variant type: single nucleotide variant.
Coding change: c.922G>T on transcript NM_014951.3 (MANE Select); coding-DNA position 922, G replaced by T.
Protein change: p.Val308Leu; replaces valine 308 with leucine.
Molecular consequence: missense variant.
Genome position (GRCh38, 1-based): chr10:62,388,574, G>T. VCF-style: chr10-62388574-G-T. GRCh37 (hg19) VCF-style: chr10-64148333-G-T.
Other names: c.922G>T, p.Val308Leu (NM_199450.3); short protein forms V308L.
Identifiers: ClinVar variation 3771541 (VCV003771541.13).

ClinVar aggregate classification (germline): Uncertain significance (1 of 4 stars; one submission).

Submission:

CeGaT Center for Human Genetics Tuebingen
Classification: Uncertain significance. Last evaluated: 2025-02-01. Review status: criteria provided, single submitter. Criteria: CeGaT Center For Human Genetics Tuebingen Variant Classification Criteria Version 2. Collection method: clinical testing. Allele origin: germline. Affected: yes. Observed: 1 variant allele.
Comment: ZNF365: PM2, BP4